The following is an entry in ClinVar:

ClinVar aggregate classification (germline): Uncertain significance (1 of 4 stars; one submission).

Submission:

GeneDx
Classification: Uncertain significance. Last evaluated: 2026-03-07. Review status: criteria provided, single submitter. Criteria: GeneDx Variant Classification Process June 2021. Collection method: clinical testing. Allele origin: germline.
Comment: Not observed at significant frequency in large population cohorts (gnomAD); In silico analysis suggests that this missense variant does not alter protein structure/function; Has not been previously published as pathogenic or benign to our knowledge

NM_006734.4(HIVEP2):c.6889A>T (p.Ser2297Cys)

Gene: HIVEP2 (HIVEP zinc finger 2; minus strand). Cytogenetic location: 6q24.2.
Variant type: single nucleotide variant.
Coding change: c.6889A>T on transcript NM_006734.4 (MANE Select); coding-DNA position 6889, A replaced by T.
Protein change: p.Ser2297Cys; replaces serine 2297 with cysteine.
Molecular consequence: missense variant.
Genome position (GRCh38, 1-based): chr6:142,753,559, T>A on the plus strand (A>T on the coding strand, the complement: HIVEP2 is on the minus strand). VCF-style: chr6-142753559-T-A. GRCh37 (hg19) VCF-style: chr6-143074696-T-A.
Other names: c.6889A>T, p.Ser2297Cys (NM_001438449.1, NM_001438450.1, NM_001438451.1); short protein forms S2297C.
Identifiers: ClinVar variation 5008447 (VCV005008447.1).